The following is an entry in ClinVar:

NM_015898.4(ZBTB7A):c.1253G>A (p.Arg418His)

Gene: ZBTB7A (zinc finger and BTB domain containing 7A; minus strand). Cytogenetic location: 19p13.3.
Variant type: single nucleotide variant.
Coding change: c.1253G>A on transcript NM_015898.4 (MANE Select); coding-DNA position 1253, G replaced by A.
Protein change: p.Arg418His; replaces arginine 418 with histidine.
Molecular consequence: missense variant.
Genome position (GRCh38, 1-based): chr19:4,053,980, C>T on the plus strand (G>A on the coding strand, the complement: ZBTB7A is on the minus strand). VCF-style: chr19-4053980-C-T. GRCh37 (hg19) VCF-style: chr19-4053978-C-T.
Other names: c.1253G>A, p.Arg418His (NM_001317990.2); short protein forms R418H.
Identifiers: ClinVar variation 4088219 (VCV004088219.1).
Genomic context (GRCh38, chr19:4,053,980, plus strand): 5'-GATGCTGGGGCAGAGAGCAGGACGGCGCCTCCCCCGCGGCGGGCAGCTCACCTGGTGAAG[C>T]GGACCTTGCAGATGTTGCACTCGTAGGGCTTCTCGCCCGTGTGGGTGCGGATGTGTCGCG-3'
Protein context (NP_056982.1, residues 408-428): KPYECNICKV[Arg418His]FTRQDKLKVH

ClinVar aggregate classification (germline): Uncertain significance (1 of 4 stars; one submission).

Submission:

GeneDx
Classification: Uncertain significance. Last evaluated: 2025-03-20. Review status: criteria provided, single submitter. Criteria: GeneDx Variant Classification Process June 2021. Collection method: clinical testing. Allele origin: germline. Affected: yes.
Comment: Not observed at significant frequency in large population cohorts (gnomAD); In silico analysis supports that this missense variant has a deleterious effect on protein structure/function; Has not been previously published as pathogenic or benign to our knowledge